The following is an entry in ClinVar:

ClinVar aggregate classification (germline): Uncertain significance (1 of 4 stars; one submission).

Submission:

Ambry Genetics
Classification: Uncertain significance. Last evaluated: 2023-12-15. Review status: criteria provided, single submitter. Criteria: Ambry Variant Classification Scheme 2023. Collection method: clinical testing. Allele origin: germline.
Comment: The p.K40R variant (also known as c.119A>G), located in coding exon 2 of the ALPK2 gene, results from an A to G substitution at nucleotide position 119. The lysine at codon 40 is replaced by arginine, an amino acid with highly similar properties. This amino acid position is conserved. In addition, this alteration is predicted to be tolerated by in silico analysis. Since supporting evidence is limited at this time, the clinical significance of this alteration remains unclear.

NM_052947.4(ALPK2):c.119A>G (p.Lys40Arg)

Gene: ALPK2 (alpha kinase 2; minus strand). Cytogenetic location: 18q21.32.
Variant type: single nucleotide variant.
Coding change: c.119A>G on transcript NM_052947.4 (MANE Select); coding-DNA position 119, A replaced by G.
Protein change: p.Lys40Arg; replaces lysine 40 with arginine.
Molecular consequence: missense variant.
Genome position (GRCh38, 1-based): chr18:58,607,430, T>C on the plus strand (A>G on the coding strand, the complement: ALPK2 is on the minus strand). VCF-style: chr18-58607430-T-C. GRCh37 (hg19) VCF-style: chr18-56274662-T-C.
Other names: short protein forms K40R.
Identifiers: ClinVar variation 3228562 (VCV003228562.1), dbSNP rs2518913014, ClinGen allele CA402556340.